The following is an entry in ClinVar:

NM_003119.4(SPG7):c.1049_1077del (p.Pro350fs)

Gene: SPG7 (SPG7 matrix AAA peptidase subunit, paraplegin; plus strand). Cytogenetic location: 16q24.3.
Variant type: Deletion.
Coding change: c.1049_1077del on transcript NM_003119.4 (MANE Select); coding-DNA positions 1049 to 1077, 29 bases deleted (CCCCCGGCTGTGGGAAGACGCTGCTGGCC).
Protein change: p.Pro350fs; shifts the reading frame from proline 350.
Molecular consequence: frameshift variant.
Genome position (GRCh38, 1-based): chr16:89,531,965-89,531,993, CCCCCGGCTGTGGGAAGACGCTGCTGGCC deleted; deleting any 29 consecutive bases within chr16:89,531,961-89,531,993 gives the same sequence; the c. name uses the placement nearest the transcript's 3' end. VCF-style (leftmost placement, unchanged base first): chr16-89531960-CGGCCCCCCCGGCTGTGGGAAGACGCTGCT-C. GRCh37 (hg19) VCF-style: chr16-89598368-CGGCCCCCCCGGCTGTGGGAAGACGCTGCT-C.
Other names: c.1049_1077del, p.Pro350fs (NM_001363850.1, NM_199367.3); c.1049_1077del (NM_003119.2); c.1049_1077del29 (NM_003119.4); short protein forms P350fs.
Identifiers: ClinVar variation 495055 (VCV000495055.61), dbSNP rs775364547, ClinGen allele CA8243917.

ClinVar aggregate classification (germline): Pathogenic. Review status: criteria provided, multiple submitters, no conflicts (2 of 4 stars). 9 submissions from 9 submitters: Pathogenic (8). 1 of the submissions does not count toward it. Last evaluated 2025-12-01.

Conditions:
Hereditary spastic paraplegia 7 (SPG7). Also called: SPASTIC PARAPLEGIA 7, AUTOSOMAL RECESSIVE, WITH OR WITHOUT CEREBELLAR ATAXIA; Spastic paraplegia 7; Hereditary spastic paraplegia Paraplegin type; Autosomal recessive spastic paraplegia type 7; SPG7-related neurologic disorder. Identifiers: Orphanet 99013, MedGen C1846564, MONDO:0011803, OMIM 607259.

Submissions (9):

CeGaT Center for Human Genetics Tuebingen
Classification: Pathogenic. Last evaluated: 2025-12-01. Review status: criteria provided, single submitter. Criteria: CeGaT Center For Human Genetics Tuebingen Variant Classification Criteria Version 2. Collection method: clinical testing. Allele origin: germline. Affected: yes. Observed: 7 variant alleles.
Comment: SPG7: PM3:Very Strong, PVS1, PM2

Labcorp Genetics (formerly Invitae), Labcorp
Classification: Pathogenic for Hereditary spastic paraplegia 7. Last evaluated: 2025-02-02. Review status: criteria provided, single submitter. Criteria: Invitae Variant Classification Sherloc (09022015). Collection method: clinical testing. Allele origin: germline.
Comment: This sequence change creates a premature translational stop signal (p.Pro350Glnfs*36) in the SPG7 gene. It is expected to result in an absent or disrupted protein product. Loss-of-function variants in SPG7 are known to be pathogenic (PMID: 21623769, 22964162). This variant is present in population databases (rs775364547, gnomAD 0.004%). This premature translational stop signal has been observed in individual(s) with hereditary spastic paraplegia (PMID: 23065789; internal data). In at least one individual the data is consistent with being in trans (on the opposite chromosome) from a pathogenic variant. ClinVar contains an entry for this variant (Variation ID: 495055). For these reasons, this variant has been classified as Pathogenic.

Women's Health and Genetics/Laboratory Corporation of America, LabCorp
Classification: Pathogenic for Hereditary spastic paraplegia 7. Last evaluated: 2024-04-23. Review status: criteria provided, single submitter. Criteria: LabCorp Variant Classification Summary - May 2015. Collection method: clinical testing. Allele origin: germline.
Comment: Variant summary: SPG7 c.1049_1077del29 (p.Pro350GlnfsX36) results in a premature termination codon, predicted to cause absence of the protein due to nonsense mediated decay, which is a commonly known mechanism for disease. The variant allele was found at a frequency of 1.6e-05 in 250546 control chromosomes (gnomAD). c.1049_1077del29 has been reported in the literature in an individual affected with Hereditary Spastic Paraplegia 7 (Klebe_2012). The following publication has been ascertained in the context of this evaluation (PMID: 23065789). ClinVar contains an entry for this variant (Variation ID: 495055). Based on the evidence outlined above, the variant was classified as pathogenic.

Fulgent Genetics
Classification: Pathogenic for Hereditary spastic paraplegia 7. Last evaluated: 2024-03-25. Review status: criteria provided, single submitter. Criteria: ACMG Guidelines, 2015. Collection method: clinical testing. Allele origin: germline.

GeneDx
Classification: Pathogenic. Last evaluated: 2022-08-03. Review status: criteria provided, single submitter. Criteria: GeneDx Variant Classification Process June 2021. Collection method: clinical testing. Allele origin: germline. Affected: yes.
Comment: Frameshift variant predicted to result in protein truncation or nonsense mediated decay in a gene for which loss-of-function is a known mechanism of disease; Not observed at a significant frequency in large population cohorts (gnomAD); This variant is associated with the following publications: (PMID: 23065789, 32816195)

PROSPAX: an integrated multimodal progression  chart in spastic ataxias, Center for Neurology; Hertie-Institute for Clinical Brain Research
Classification: Pathogenic for Hereditary spastic paraplegia 7. Last evaluated: 2022-01-01. Review status: criteria provided, single submitter. Criteria: ACMG Guidelines, 2015. Collection method: research. Allele origin: germline. Affected: yes. Observed: 1 variant allele, 1 compound heterozygote.

Center of Genomic medicine, Geneva, University Hospital of Geneva
Classification: Pathogenic for Hereditary spastic paraplegia 7. Last evaluated: 2017-08-07. Review status: criteria provided, single submitter. Criteria: ACMG Guidelines, 2015. Collection method: clinical testing. Allele origin: maternal. Affected: yes.

Paris Brain Institute, Inserm - ICM
Classification: Pathogenic for Hereditary spastic paraplegia 7. Review status: criteria provided, single submitter. Criteria: ACMG Guidelines, 2015. Collection method: clinical testing. Allele origin: unknown. Affected: yes. Observed: 10 variant alleles.

Solve-RD Consortium
Classification: Likely pathogenic for Hereditary spastic paraplegia 7. Last evaluated: 2022-06-01. Review status: no assertion criteria provided. Collection method: provider interpretation. Allele origin: inherited. Affected: yes. Not counted in ClinVar's aggregate classification.
Comment: Variant confirmed as disease-causing by referring clinical team

Variant identified during reanalysis of unsolved cases by the Solve-RD project. The Solve-RD project has received funding from the European Union’s Horizon 2020 research and innovation programme under grant agreement No 779257.

Literature cited by the submitters: PubMed 21623769 (cited by Labcorp Genetics (formerly Invitae), Labcorp); PubMed 22964162 (cited by Labcorp Genetics (formerly Invitae), Labcorp); PubMed 23065789 (cited by Labcorp Genetics (formerly Invitae), Labcorp and Women's Health and Genetics/Laboratory Corporation of America, LabCorp); PubMed 39825153 (cited by Solve-RD Consortium).